The following is an entry in ClinVar:

ClinVar aggregate classification (germline): Uncertain significance (1 of 4 stars; one submission).

Submission:

Labcorp Genetics (formerly Invitae), Labcorp
Classification: Uncertain significance. Last evaluated: 2022-03-07. Review status: criteria provided, single submitter. Criteria: Invitae Variant Classification Sherloc (09022015). Collection method: clinical testing. Allele origin: germline.
Comment: This variant has not been reported in the literature in individuals affected with ALPK3-related conditions. In summary, the available evidence is currently insufficient to determine the role of this variant in disease. Therefore, it has been classified as a Variant of Uncertain Significance. Algorithms developed to predict the effect of missense changes on protein structure and function are either unavailable or do not agree on the potential impact of this missense change (SIFT: "Deleterious"; PolyPhen-2: "Probably Damaging"; Align-GVGD: "Class C0"). This variant is not present in population databases (gnomAD no frequency). This sequence change replaces glutamic acid, which is acidic and polar, with glycine, which is neutral and non-polar, at codon 309 of the ALPK3 protein (p.Glu309Gly).

NM_020778.5(ALPK3):c.320A>G (p.Glu107Gly)

Gene: ALPK3 (alpha kinase 3; plus strand). Cytogenetic location: 15q25.3.
Variant type: single nucleotide variant.
Coding change: c.320A>G on transcript NM_020778.5 (MANE Select); coding-DNA position 320, A replaced by G.
Protein change: p.Glu107Gly; replaces glutamic acid 107 with glycine.
Molecular consequence: missense variant.
Genome position (GRCh38, 1-based): chr15:84,838,995, A>G. VCF-style: chr15-84838995-A-G. GRCh37 (hg19) VCF-style: chr15-85382226-A-G.
Other names: short protein forms E107G.
Identifiers: ClinVar variation 2062688 (VCV002062688.4), dbSNP rs1963625385, ClinGen allele CA393371812.